The following is an entry in ClinVar:

NM_000051.4(ATM):c.2195dup (p.Met732fs)

Gene: ATM (ATM serine/threonine kinase; plus strand). Cytogenetic location: 11q22.3.
Variant type: Duplication.
Coding change: c.2195dup on transcript NM_000051.4 (MANE Select); coding-DNA position 2195, one base duplicated (T; older notation c.2195dupT).
Protein change: p.Met732fs; shifts the reading frame from methionine 732.
Molecular consequence: frameshift variant.
Genome position (GRCh38, 1-based): chr11:108,256,285, T duplicated. VCF-style (leftmost placement, unchanged base first): chr11-108256284-A-AT. GRCh37 (hg19) VCF-style: chr11-108127011-A-AT.
Other names: c.2195dupT (NM_000051.3); c.2195dup, p.Met732fs (NM_001351834.2); short protein forms M732fs.
Identifiers: ClinVar variation 490457 (VCV000490457.11), dbSNP rs1555074971, ClinGen allele CA658683735.

ClinVar aggregate classification (germline): Pathogenic. Review status: criteria provided, multiple submitters, no conflicts (2 of 4 stars). 4 submissions from 4 submitters: Pathogenic (4). Last evaluated 2024-02-28.

Conditions:
Hereditary cancer-predisposing syndrome. Also called: Tumor predisposition; Neoplastic Syndromes, Hereditary; Hereditary Cancer Syndrome; Hereditary neoplastic syndrome. Identifiers: Orphanet 140162, MedGen C0027672, MeSH D009386, MONDO:0015356.
Familial cancer of breast. Also called: BREAST CANCER, FAMILIAL; hereditary breast carcinoma; Hereditary breast cancer. Identifiers: Orphanet 227535, MedGen C0346153, MONDO:0016419, OMIM 114480. Disease mechanism: loss of function.
Ataxia-telangiectasia syndrome (AT). Also called: Ataxia-telangiectasia; Ataxia-telangiectasia, complementation group D; AT, COMPLEMENTATION GROUP C; LOUIS-BAR SYNDROME; Cerebello-oculocutaneous telangiectasia; Immunodeficiency with ataxia telangiectasia. Identifiers: Orphanet 100, MedGen C0004135, MONDO:0008840, OMIM 208900.

Submissions (4):

Ambry Genetics
Classification: Pathogenic for Hereditary cancer-predisposing syndrome. Last evaluated: 2024-02-28. Review status: criteria provided, single submitter. Criteria: Ambry Variant Classification Scheme 2023. Collection method: clinical testing. Allele origin: germline.
Comment: The c.2195dupT pathogenic mutation, located in coding exon 13 of the ATM gene, results from a duplication of T at nucleotide position 2195, causing a translational frameshift with a predicted alternate stop codon (p.M732Ifs*6). This alteration is expected to result in loss of function by premature protein truncation or nonsense-mediated mRNA decay. As such, this alteration is interpreted as a disease-causing mutation.

Myriad Genetics, Inc.
Classification: Pathogenic for Familial cancer of breast. Last evaluated: 2024-01-17. Review status: criteria provided, single submitter. Criteria: Myriad Autosomal Dominant, Autosomal Recessive and X-Linked Classification Criteria (2023). Collection method: clinical testing. Allele origin: unknown.
Comment: This variant is considered pathogenic. This variant creates a frameshift predicted to result in premature protein truncation.

Labcorp Genetics (formerly Invitae), Labcorp
Classification: Pathogenic for Ataxia-telangiectasia syndrome. Last evaluated: 2022-01-23. Review status: criteria provided, single submitter. Criteria: Invitae Variant Classification Sherloc (09022015). Collection method: clinical testing. Allele origin: germline.
Comment: For these reasons, this variant has been classified as Pathogenic. This sequence change creates a premature translational stop signal (p.Met732Ilefs*6) in the ATM gene. It is expected to result in an absent or disrupted protein product. Loss-of-function variants in ATM are known to be pathogenic (PMID: 23807571, 25614872). This variant is not present in population databases (gnomAD no frequency). This variant has not been reported in the literature in individuals affected with ATM-related conditions. ClinVar contains an entry for this variant (Variation ID: 490457).

Color Diagnostics, LLC DBA Color Health
Classification: Pathogenic for Hereditary cancer-predisposing syndrome. Last evaluated: 2020-05-13. Review status: criteria provided, single submitter. Criteria: ACMG Guidelines, 2015. Collection method: clinical testing. Allele origin: germline.
Comment: This variant inserts 1 nucleotide in exon 14 of the ATM gene, creating a frameshift and premature translation stop signal. This variant is expected to result in an absent or non-functional protein product. To our knowledge, this variant has not been reported in individuals affected with hereditary cancer in the literature. This variant has not been identified in the general population by the Genome Aggregation Database (gnomAD). Loss of ATM function is a known mechanism of disease. Based on the available evidence, this variant is classified as Pathogenic.

Literature cited by the submitters: PubMed 23807571 (cited by Labcorp Genetics (formerly Invitae), Labcorp); PubMed 25614872 (cited by Labcorp Genetics (formerly Invitae), Labcorp).